The following is an entry in ClinVar:

ClinVar aggregate classification (germline): Uncertain significance (1 of 4 stars; one submission).

Allele frequency attached by ClinVar (database versions not stated): gnomAD exomes below 0.00001.
gnomAD v4.1: 2 of 1,604,782 alleles (0.00012%); highest among the groups gnomAD compares: Non-Finnish European, 0.00017%; no homozygotes.

Submission:

Labcorp Genetics (formerly Invitae), Labcorp
Classification: Uncertain significance. Last evaluated: 2024-01-15. Review status: criteria provided, single submitter. Criteria: Invitae Variant Classification Sherloc (09022015). Collection method: clinical testing. Allele origin: germline.
Comment: This sequence change replaces proline, which is neutral and non-polar, with serine, which is neutral and polar, at codon 1970 of the SPEG protein (p.Pro1970Ser). This variant is not present in population databases (gnomAD no frequency). This variant has not been reported in the literature in individuals affected with SPEG-related conditions. ClinVar contains an entry for this variant (Variation ID: 1483264). An algorithm developed to predict the effect of missense changes on protein structure and function (PolyPhen-2) suggests that this variant is likely to be tolerated. In summary, the available evidence is currently insufficient to determine the role of this variant in disease. Therefore, it has been classified as a Variant of Uncertain Significance.

NM_005876.5(SPEG):c.5908C>T (p.Pro1970Ser)

Genes: ASIC4-AS1 (ASIC4 antisense RNA 1; minus strand), SPEG (striated muscle enriched protein kinase; plus strand). Cytogenetic location: 2q35.
Variant type: single nucleotide variant.
Coding change: c.5908C>T on transcript NM_005876.5 (MANE Select); coding-DNA position 5908, C replaced by T.
Protein change: p.Pro1970Ser; replaces proline 1970 with serine.
Molecular consequence: missense variant.
Genome position (GRCh38, 1-based): chr2:219,483,371, C>T. VCF-style: chr2-219483371-C-T. GRCh37 (hg19) VCF-style: chr2-220348093-C-T.
Other names: short protein forms P1970S.
Identifiers: ClinVar variation 1483264 (VCV001483264.8), dbSNP rs2125552918, ClinGen allele CA350694153.